The following is an entry in ClinVar:

ClinVar aggregate classification (germline): Uncertain significance (1 of 4 stars; one submission).

Submission:

CeGaT Center for Human Genetics Tuebingen
Classification: Uncertain significance. Last evaluated: 2022-03-01. Review status: criteria provided, single submitter. Criteria: CeGaT Center For Human Genetics Tuebingen Variant Classification Criteria Version 2. Collection method: clinical testing. Allele origin: germline. Affected: yes. Observed: 1 variant allele.
Comment: SPG11: PM2, BP4

NM_025137.4(SPG11):c.3271T>G (p.Ser1091Ala)

Gene: SPG11 (SPG11 vesicle trafficking associated, spatacsin; minus strand). Cytogenetic location: 15q21.1.
Variant type: single nucleotide variant.
Coding change: c.3271T>G on transcript NM_025137.4 (MANE Select); coding-DNA position 3271, T replaced by G.
Protein change: p.Ser1091Ala; replaces serine 1091 with alanine.
Molecular consequence: missense variant.
Genome position (GRCh38, 1-based): chr15:44,610,860, A>C on the plus strand (T>G on the coding strand, the complement: SPG11 is on the minus strand). VCF-style: chr15-44610860-A-C. GRCh37 (hg19) VCF-style: chr15-44903058-A-C.
Other names: c.3271T>G, p.Ser1091Ala (NM_001160227.2); short protein forms S1091A.
Identifiers: ClinVar variation 1675572 (VCV001675572.33), dbSNP rs2141004955, ClinGen allele CA392226380.